The following is an entry in ClinVar:

NM_004380.3(CREBBP):c.3863G>A (p.Arg1288Gln)

Gene: CREBBP (CREB binding lysine acetyltransferase; minus strand). Cytogenetic location: 16p13.3.
Variant type: single nucleotide variant.
Coding change: c.3863G>A on transcript NM_004380.3 (MANE Select); coding-DNA position 3863, G replaced by A.
Protein change: p.Arg1288Gln; replaces arginine 1288 with glutamine.
Molecular consequence: missense variant.
Genome position (GRCh38, 1-based): chr16:3,745,328, C>T on the plus strand (G>A on the coding strand, the complement: CREBBP is on the minus strand). VCF-style: chr16-3745328-C-T. GRCh37 (hg19) VCF-style: chr16-3795329-C-T.
Other names: c.3749G>A, p.Arg1250Gln (NM_001079846.1); short protein forms R1250Q, R1288Q.
Identifiers: ClinVar variation 2635508 (VCV002635508.1), dbSNP rs371780176, ClinGen allele CA7869699.
Genomic context (GRCh38, chr16:3,745,328, plus strand): 5'-ACAACTCACCCTGAAGGCCAAATGATGTCATAGTGCAGAACGCAAATCTGATGCATCTTC[C>T]GGCCACACTCCTTGCAATCAACGAAACTAGGAGGCAAAGAAGGCGCACTGTTAAAGCACA-3'
Protein context (NP_004371.2, residues 1278-1298): EPFVDCKECG[Arg1288Gln]KMHQICVLHY

ClinVar aggregate classification (germline): Uncertain significance (1 of 4 stars; one submission).

Conditions:
CREBBP-related disorder. Also called: CREBBP-related condition; CREBBP-related disorders.

Allele frequency attached by ClinVar (database versions not stated): gnomAD exomes 0.00001; TOPMed 0.00001; ExAC 0.00002; ESP Exome Variant Server 0.00008.
gnomAD v4.1: 14 of 1,614,090 alleles (0.00087%); highest among the groups gnomAD compares: South Asian, 0.0011%; no homozygotes.

Submission:

PreventionGenetics, part of Exact Sciences
Classification: Uncertain significance for CREBBP-related condition. Last evaluated: 2022-11-29. Review status: criteria provided, single submitter. Criteria: ACMG Guidelines, 2015. Collection method: clinical testing. Allele origin: germline.
Comment: The CREBBP c.3863G>A variant is predicted to result in the amino acid substitution p.Arg1288Gln. To our knowledge, this variant has not been reported in the literature. This variant is reported in 0.0018% of alleles in individuals of European (Non-Finnish) descent in gnomAD. At this time, the clinical significance of this variant is uncertain due to the absence of conclusive functional and genetic evidence.